The following is an entry in ClinVar:

ClinVar aggregate classification (germline): Uncertain significance (1 of 4 stars; one submission).

Conditions:
Gorlin syndrome. Also called: Nevoid Basal Cell Carcinoma Syndrome; Basal cell nevus syndrome. Identifiers: Orphanet 377, MedGen C0004779, MONDO:0007187.
Medulloblastoma (MDB). Also called: Medulloblastoma, somatic; MEDULLOBLASTOMA PREDISPOSITION SYNDROME. Identifiers: Orphanet 616, MedGen C0025149, MeSH D008527, MONDO:0007959, OMIM 155255, HP:0002885.

Allele frequency attached by ClinVar (database versions not stated): TOPMed below 0.00001; gnomAD exomes 0.00001.
gnomAD v4.1: 11 of 1,613,656 alleles (0.00068%); highest among the groups gnomAD compares: Non-Finnish European, 0.00093%; no homozygotes.

Submission:

Labcorp Genetics (formerly Invitae), Labcorp
Classification: Uncertain significance for Gorlin syndrome; Medulloblastoma. Last evaluated: 2024-04-23. Review status: criteria provided, single submitter. Criteria: Invitae Variant Classification Sherloc (09022015). Collection method: clinical testing. Allele origin: germline.
Comment: This sequence change falls in intron 4 of the SUFU gene. It does not directly change the encoded amino acid sequence of the SUFU protein. This variant is not present in population databases (gnomAD no frequency). This variant has not been reported in the literature in individuals affected with SUFU-related conditions. ClinVar contains an entry for this variant (Variation ID: 2119277). Algorithms developed to predict the effect of sequence changes on RNA splicing suggest that this variant may create or strengthen a splice site. In summary, the available evidence is currently insufficient to determine the role of this variant in disease. Therefore, it has been classified as a Variant of Uncertain Significance.

NM_016169.4(SUFU):c.597+15G>A

Gene: SUFU (SUFU negative regulator of hedgehog signaling; plus strand). Cytogenetic location: 10q24.32.
Variant type: single nucleotide variant.
Coding change: c.597+15G>A on transcript NM_016169.4 (MANE Select); 15 bases into the intron after coding-DNA position 597, G replaced by A.
Molecular consequence: intron variant.
Genome position (GRCh38, 1-based): chr10:102,592,739, G>A. VCF-style: chr10-102592739-G-A. GRCh37 (hg19) VCF-style: chr10-104352496-G-A.
Other names: c.597+15G>A (NM_001178133.2).
Identifiers: ClinVar variation 2119277 (VCV002119277.4), dbSNP rs2063417094, ClinGen allele CA1932759826.